The following is an entry in ClinVar:

NM_001261826.3(AP3D1):c.2968A>G (p.Asn990Asp)

Gene: AP3D1 (adaptor related protein complex 3 subunit delta 1; minus strand). Cytogenetic location: 19p13.3.
Variant type: single nucleotide variant.
Coding change: c.2968A>G on transcript NM_001261826.3 (MANE Select); coding-DNA position 2968, A replaced by G.
Protein change: p.Asn990Asp; replaces asparagine 990 with aspartic acid.
Molecular consequence: missense variant.
Genome position (GRCh38, 1-based): chr19:2,111,302, T>C on the plus strand (A>G on the coding strand, the complement: AP3D1 is on the minus strand). VCF-style: chr19-2111302-T-C. GRCh37 (hg19) VCF-style: chr19-2111301-T-C.
Other names: c.2932A>G, p.Asn978Asp (NM_001374799.1); c.2782A>G, p.Asn928Asp (NM_003938.8); short protein forms N978D, N990D, N928D.
Identifiers: ClinVar variation 3688412 (VCV003688412.2).

ClinVar aggregate classification (germline): Uncertain significance (1 of 4 stars; one submission).

gnomAD v4.1: 1 of 1,614,028 alleles (0.000062%); highest among the groups gnomAD compares: East Asian, 0.0022%; no homozygotes.

Submission:

Labcorp Genetics (formerly Invitae), Labcorp
Classification: Uncertain significance. Last evaluated: 2024-11-12. Review status: criteria provided, single submitter. Criteria: Invitae Variant Classification Sherloc (09022015). Collection method: clinical testing. Allele origin: germline.
Comment: This sequence change replaces asparagine, which is neutral and polar, with aspartic acid, which is acidic and polar, at codon 990 of the AP3D1 protein (p.Asn990Asp). This variant is not present in population databases (gnomAD no frequency). This variant has not been reported in the literature in individuals affected with AP3D1-related conditions. An algorithm developed to predict the effect of missense changes on protein structure and function (PolyPhen-2) suggests that this variant is likely to be tolerated. In summary, the available evidence is currently insufficient to determine the role of this variant in disease. Therefore, it has been classified as a Variant of Uncertain Significance.